The following is an entry in ClinVar:

NM_002069.6(GNAI1):c.90G>A (p.Ala30=)

Gene: GNAI1 (G protein subunit alpha i1; plus strand). Cytogenetic location: 7q21.11.
Variant type: single nucleotide variant.
Coding change: c.90G>A on transcript NM_002069.6 (MANE Select); coding-DNA position 90, G replaced by A.
Protein change: p.Ala30=; no amino-acid change (alanine 30 retained).
Molecular consequence: synonymous variant.
Genome position (GRCh38, 1-based): chr7:80,135,250, G>A. VCF-style: chr7-80135250-G-A. GRCh37 (hg19) VCF-style: chr7-79764566-G-A.
Identifiers: ClinVar variation 3045889 (VCV003045889.4), dbSNP rs140693023, ClinGen allele CA4314421.

ClinVar aggregate classification (germline): Likely benign. Review status: criteria provided, single submitter (1 of 4 stars). 2 submissions from 2 submitters: Likely benign (1). 1 of the submissions does not count toward it. Last evaluated 2026-05-01.

Conditions:
GNAI1-related disorder.

Allele frequency attached by ClinVar (database versions not stated): 1000 Genomes Project 0.00040; 1000 Genomes Project 30x 0.00047; ESP Exome Variant Server 0.00039.
gnomAD v4.1: 795 of 1,528,996 alleles (0.052%); highest among the groups gnomAD compares: Non-Finnish European, 0.068%; no homozygotes.

Submissions (2):

CeGaT Center for Human Genetics Tuebingen
Classification: Likely benign. Last evaluated: 2026-05-01. Review status: criteria provided, single submitter. Criteria: CeGaT Center For Human Genetics Tuebingen Variant Classification Criteria Version 2. Collection method: clinical testing. Allele origin: germline. Affected: yes. Observed: 2 variant alleles.
Comment: GNAI1: BP4, BP7

PreventionGenetics, part of Exact Sciences
Classification: Likely benign for GNAI1-related condition. Last evaluated: 2019-10-28. Review status: no assertion criteria provided. Collection method: clinical testing. Allele origin: germline. Not counted in ClinVar's aggregate classification.
Comment: This variant is classified as likely benign based on ACMG/AMP sequence variant interpretation guidelines (Richards et al. 2015 PMID: 25741868, with internal and published modifications).